The following is an entry in ClinVar:

ClinVar aggregate classification (germline): Pathogenic/Likely pathogenic. Review status: criteria provided, multiple submitters, no conflicts (2 of 4 stars). 7 submissions from 7 submitters: Pathogenic (3); Likely pathogenic (3). 1 of the submissions does not count toward it. Last evaluated 2026-07-21.

Conditions:
Dilated cardiomyopathy 1G (CMD1G). Identifiers: Orphanet 154, MedGen C1858763, MONDO:0011400, OMIM 604145.
Primary dilated cardiomyopathy (DCM). Also called: Dilated Cardiomyopathy. Identifiers: Orphanet 217604, MedGen C0007193, MeSH D002311, MONDO:0005021, HP:0001644. Inheritance: Various modes of inheritance.
TNN-related disorder.
Autosomal recessive limb-girdle muscular dystrophy type 2J (LGMDR10). Also called: Limb-girdle muscular dystrophy, type 2J; MUSCULAR DYSTROPHY, LIMB-GIRDLE, AUTOSOMAL RECESSIVE 10. Identifiers: Orphanet 140922, MedGen C1837342, MONDO:0012127, OMIM 608807.

Allele frequency attached by ClinVar (database versions not stated): gnomAD 0.00003.
gnomAD v4.1: 4 of 1,601,422 alleles (0.00025%); highest among the groups gnomAD compares: African/African-American, 0.0027%; no homozygotes.

Submissions (7):

GeneDx
Classification: Likely pathogenic. Last evaluated: 2026-07-21. Review status: criteria provided, single submitter. Criteria: GeneDx Variant Classification Process June 2021. Collection method: clinical testing. Allele origin: germline.
Comment: Reported in the published literature in association with dilated cardiomyopathy (PMID: 27437901, 29540472, 37547072, 35581137); Not observed at significant frequency in large population cohorts (gnomAD); Located in a specific region of the I-band within TTN for which truncating variants are significantly associated with autosomal dominant cardiomyopathy and also with autosomal recessive skeletal myopathies (PMID: 27625338, 27869827, 32778822); This variant is associated with the following publications: (PMID: 27437901, 32880476, 37547072, 35581137, 29540472, 39844436, 27869827, 27625338, 32778822, 32964742, 25589632, 22335739, 23975875)

Daryl Scott Lab, Baylor College of Medicine
Classification: Pathogenic for TNN-related disorder. Last evaluated: 2025-08-25. Review status: criteria provided, single submitter. Criteria: ACMG Guidelines, 2015. Collection method: clinical testing. Allele origin: paternal. Affected: yes. Observed: 1 heterozygote.
Comment: PVS1, PS4

Laboratory of Genetics, Children's Clinical University Hospital Latvia
Classification: Pathogenic. Last evaluated: 2025-02-16. Review status: criteria provided, single submitter. Criteria: ACMG Guidelines, 2015. Collection method: clinical testing. Allele origin: germline. Affected: yes.

Labcorp Genetics (formerly Invitae), Labcorp
Classification: Likely pathogenic for Dilated cardiomyopathy 1G; Autosomal recessive limb-girdle muscular dystrophy type 2J. Last evaluated: 2025-02-04. Review status: criteria provided, single submitter. Criteria: Invitae Variant Classification Sherloc (09022015). Collection method: clinical testing. Allele origin: germline.
Comment: This sequence change creates a premature translational stop signal (p.Arg13881*) in the TTN gene. While this is not anticipated to result in nonsense mediated decay, it is expected to create a truncated TTN protein. The frequency data for this variant in the population databases is considered unreliable, as metrics indicate poor data quality at this position in the gnomAD database. This variant has not been observed in the literature in individuals with autosomal recessive TTN-related conditions. This variant has been reported in individual(s) with dilated cardiomyopathy (PMID: 27437901, 29540472, 32880476; internal data); however, the role of the variant in this condition is currently unclear. ClinVar contains an entry for this variant (Variation ID: 655573). This variant is located in the I band of TTN (PMID: 25589632). Truncating variants in this region have been reported in individuals affected with autosomal recessive centronuclear myopathy (PMID: 23975875, internal data). Truncating variants in this region have also been identified in individuals affected with autosomal dominant dilated cardiomyopathy and/or cardio-related conditions (PMID: 27869827, 32964742, internal data). In summary, the currently available evidence indicates that the variant is pathogenic, but additional data are needed to prove that conclusively. Therefore, this variant has been classified as Likely Pathogenic.

Clinical Genetics Laboratory, Skane University Hospital Lund
Classification: Likely pathogenic. Last evaluated: 2023-11-21. Review status: criteria provided, single submitter. Criteria: ACMG Guidelines, 2015. Collection method: clinical testing. Allele origin: germline. Affected: yes.

Loeys Lab, Universiteit Antwerpen
Classification: Pathogenic for Primary dilated cardiomyopathy. Last evaluated: 2021-02-26. Review status: criteria provided, single submitter. Criteria: ACMG Guidelines, 2015. Collection method: clinical testing. Allele origin: somatic. Affected: yes. Observed: 3 variant alleles, 2 heterozygotes.
Comment: This sequence change results in a truncating variant of the TTN gene (p.(Arg13881*))The variant is present in population databases such as gnomAD (1/260942) . The variant has been described before in a patient with DCM (PMID: 27437901). Functional studies have not been performed. However truncating and frameshift mutations in TTN are a well-known mechanism for dilated cardiomyopathy (PMID: 22335739) (PVS1). The variant is located in the A-band of the titin-protein which is a known hotspot for pathogenic variants (PM1). This variant was identified in a 2 unrelated patients with DCM, and co-segregation with 1 additional family-member (PP1weak). In conclusion this variant was classified as pathogenic according to ACMG-guidelines (PVS1, PM1, PP1).

Cardiogenetics and Myogenetics Molecular and Cellular Functional Unit, Aphp Sorbonne University-Hopital Pitie Salpetriere
Classification: Pathogenic for Dilated cardiomyopathy 1G. Last evaluated: 2024-01-06. Review status: no assertion criteria provided. Collection method: clinical testing. Allele origin: germline. Affected: yes. Not counted in ClinVar's aggregate classification.

Literature cited by the submitters: PubMed 27437901 (cited by Labcorp Genetics (formerly Invitae), Labcorp and Loeys Lab, Universiteit Antwerpen); PubMed 29540472 (cited by Labcorp Genetics (formerly Invitae), Labcorp); PubMed 32880476 (cited by Labcorp Genetics (formerly Invitae), Labcorp); PubMed 25589632 (cited by Labcorp Genetics (formerly Invitae), Labcorp); PubMed 23975875 (cited by Labcorp Genetics (formerly Invitae), Labcorp); PubMed 27869827 (cited by Labcorp Genetics (formerly Invitae), Labcorp); PubMed 32964742 (cited by Labcorp Genetics (formerly Invitae), Labcorp); PubMed 22335739 (cited by Loeys Lab, Universiteit Antwerpen).

NM_001267550.2(TTN):c.41641C>T (p.Arg13881Ter)

Gene: TTN (titin; minus strand). Cytogenetic location: 2q31.2.
Variant type: single nucleotide variant.
Coding change: c.41641C>T on transcript NM_001267550.2 (MANE Select); coding-DNA position 41641, C replaced by T.
Protein change: p.Arg13881Ter; replaces arginine 13881 with a stop codon.
Molecular consequence: nonsense.
Genome position (GRCh38, 1-based): chr2:178,635,683, G>A on the plus strand (C>T on the coding strand, the complement: TTN is on the minus strand). VCF-style: chr2-178635683-G-A. GRCh37 (hg19) VCF-style: chr2-179500410-G-A.
Other names: c.36718C>T, p.Arg12240Ter (NM_001256850.1); c.14446C>T, p.Arg4816Ter (NM_003319.4); c.33937C>T, p.Arg11313Ter (NM_133378.4); c.14821C>T, p.Arg4941Ter (NM_133432.3); c.15022C>T, p.Arg5008Ter (NM_133437.4); c.41641C>T (NM_001267550.1); short protein forms R12240*, R4816*, R4941*, R5008*, R11313*, R13881*.
Identifiers: ClinVar variation 655573 (VCV000655573.19), dbSNP rs747469275, ClinGen allele CA61006255.